The following is an entry in ClinVar:

NM_025114.4(CEP290):c.942+1G>C

Gene: CEP290 (centrosomal protein 290; minus strand). Cytogenetic location: 12q21.32.
Variant type: single nucleotide variant.
Coding change: c.942+1G>C on transcript NM_025114.4 (MANE Select); the canonical splice donor site of the intron after coding-DNA position 942, G replaced by C.
Molecular consequence: splice donor variant.
Genome position (GRCh38, 1-based): chr12:88,128,945, C>G on the plus strand (G>C on the coding strand, the complement: CEP290 is on the minus strand). VCF-style: chr12-88128945-C-G. GRCh37 (hg19) VCF-style: chr12-88522722-C-G.
Identifiers: ClinVar variation 957827 (VCV000957827.9), dbSNP rs2039897317, ClinGen allele CA385983525.
Genomic context (GRCh38, chr12:88,128,945, plus strand): 5'-ACTAAAATTTAAATCTAAAATACAAAAAGAAAAAGTTATTATGTCAATTGAAAAAAAATA[C>G]CTTCCATTCTTCTACTTTTGCATTGACAGCTACCATAATTGGATCATCTTCTTCATTTTT-3'

ClinVar aggregate classification (germline): Likely pathogenic. Review status: criteria provided, multiple submitters, no conflicts (2 of 4 stars). 2 submissions from 2 submitters: Likely pathogenic (2). Last evaluated 2022-08-04.

Conditions:
Meckel-Gruber syndrome. Also called: Dysencephalia splachnocystica; DYSENCEPHALIA SPLANCHNOCYSTICA; GRUBER SYNDROME. Identifiers: Orphanet 564, MedGen C0265215, MONDO:0018921.
Nephronophthisis. Also called: Juvenile Nephronophthisis. Identifiers: Orphanet 655, MedGen C0687120, MONDO:0019005, HP:0000090.
Joubert syndrome. Also called: Familial aplasia of the vermis; CEREBELLOPARENCHYMAL DISORDER IV; JOUBERT-BOLTSHAUSER SYNDROME. Identifiers: Orphanet 475, MedGen C5979921, MONDO:0018772.
Bardet-Biedl syndrome 14 (BBS14). Identifiers: Orphanet 110, MedGen C2673874, MONDO:0014442, OMIM 615991.

Allele frequency attached by ClinVar (database versions not stated): gnomAD exomes below 0.00001; TOPMed below 0.00001.
gnomAD v4.1: 1 of 1,495,122 alleles (0.000067%); highest among the groups gnomAD compares: Non-Finnish European, 0.000089%; no homozygotes.

Submissions (2):

Baylor Genetics
Classification: Likely pathogenic for Bardet-Biedl syndrome 14. Last evaluated: 2022-08-04. Review status: criteria provided, single submitter. Criteria: ACMG Guidelines, 2015. Collection method: clinical testing. Allele origin: unknown.

Labcorp Genetics (formerly Invitae), Labcorp
Classification: Likely pathogenic for Joubert syndrome; Meckel-Gruber syndrome; Nephronophthisis. Last evaluated: 2021-09-09. Review status: criteria provided, single submitter. Criteria: Invitae Variant Classification Sherloc (09022015). Collection method: clinical testing. Allele origin: germline.
Comment: In summary, the currently available evidence indicates that the variant is pathogenic, but additional data are needed to prove that conclusively. Therefore, this variant has been classified as Likely Pathogenic. Donor and acceptor splice site variants typically lead to a loss of protein function (PMID: 16199547), and loss-of-function variants in CEP290 are known to be pathogenic (PMID: 16909394, 17345604, 20690115, 25377065, 28559085). Algorithms developed to predict the effect of sequence changes on RNA splicing suggest that this variant may disrupt the consensus splice site, but this prediction has not been confirmed by published transcriptional studies. This variant has not been reported in the literature in individuals with CEP290-related conditions. This variant is not present in population databases (ExAC no frequency). This sequence change affects a donor splice site in intron 11 of the CEP290 gene. It is expected to disrupt RNA splicing and likely results in an absent or disrupted protein product.

Literature cited by the submitters: PubMed 16199547 (cited by Labcorp Genetics (formerly Invitae), Labcorp); PubMed 16909394 (cited by Labcorp Genetics (formerly Invitae), Labcorp); PubMed 17345604 (cited by Labcorp Genetics (formerly Invitae), Labcorp); PubMed 20690115 (cited by Labcorp Genetics (formerly Invitae), Labcorp); PubMed 25377065 (cited by Labcorp Genetics (formerly Invitae), Labcorp); PubMed 28559085 (cited by Labcorp Genetics (formerly Invitae), Labcorp).